The following is an entry in ClinVar:

ClinVar aggregate classification (germline): Uncertain significance. Review status: criteria provided, multiple submitters, no conflicts (2 of 4 stars). 2 submissions from 2 submitters: Uncertain significance (2). Last evaluated 2026-07-06.

Conditions:
Hereditary cancer-predisposing syndrome. Also called: Hereditary Cancer Syndrome; Hereditary neoplastic syndrome; Neoplastic Syndromes, Hereditary; Tumor predisposition. Identifiers: Orphanet 140162, MedGen C0027672, MeSH D009386, MONDO:0015356.

Submissions (2):

Ambry Genetics
Classification: Uncertain significance for Hereditary cancer-predisposing syndrome. Last evaluated: 2026-07-06. Review status: criteria provided, single submitter. Criteria: Ambry Variant Classification Scheme 2023. Collection method: clinical testing. Allele origin: germline.
Comment: The p.P1079S variant (also known as c.3235C>T), located in coding exon 23 of the MSH3 gene, results from a C to T substitution at nucleotide position 3235. The proline at codon 1079 is replaced by serine, an amino acid with similar properties. This amino acid position is conserved. In addition, this alteration is predicted to be deleterious by in silico analysis. Based on the available evidence, the clinical significance of this variant remains unclear.

Labcorp Genetics (formerly Invitae), Labcorp
Classification: Uncertain significance. Last evaluated: 2025-07-15. Review status: criteria provided, single submitter. Criteria: Invitae Variant Classification Sherloc (09022015). Collection method: clinical testing. Allele origin: germline.
Comment: This sequence change replaces proline, which is neutral and non-polar, with serine, which is neutral and polar, at codon 1079 of the MSH3 protein (p.Pro1079Ser). This variant is not present in population databases (gnomAD no frequency). This variant has not been reported in the literature in individuals affected with MSH3-related conditions. An algorithm developed to predict the effect of missense changes on protein structure and function (PolyPhen-2) suggests that this variant is likely to be disruptive. In summary, the available evidence is currently insufficient to determine the role of this variant in disease. Therefore, it has been classified as a Variant of Uncertain Significance.

NM_002439.5(MSH3):c.3235C>T (p.Pro1079Ser)

Gene: MSH3 (mutS homolog 3; plus strand). Cytogenetic location: 5q14.1.
Variant type: single nucleotide variant.
Coding change: c.3235C>T on transcript NM_002439.5 (MANE Select); coding-DNA position 3235, C replaced by T.
Protein change: p.Pro1079Ser; replaces proline 1079 with serine.
Molecular consequence: missense variant.
Genome position (GRCh38, 1-based): chr5:80,873,220, C>T. VCF-style: chr5-80873220-C-T. GRCh37 (hg19) VCF-style: chr5-80169039-C-T.
Other names: c.3235C>T (NM_002439.3); short protein forms P1079S.
Identifiers: ClinVar variation 4750298 (VCV004750298.2).